The following is an entry in ClinVar:

NM_001807.6(CEL):c.1692G>T (p.Gly564=)

Gene: CEL (carboxyl ester lipase; plus strand). Cytogenetic location: 9q34.13.
Variant type: single nucleotide variant.
Coding change: c.1692G>T on transcript NM_001807.6 (MANE Select); coding-DNA position 1692, G replaced by T.
Protein change: p.Gly564=; no amino-acid change (glycine 564 retained).
Molecular consequence: synonymous variant.
Genome position (GRCh38, 1-based): chr9:133,071,194, G>T. VCF-style: chr9-133071194-G-T. GRCh37 (hg19) VCF-style: chr9-135946581-G-T.
Identifiers: ClinVar variation 1211306 (VCV001211306.29), dbSNP rs200716123, ClinGen allele CA5303485.

ClinVar aggregate classification (germline): Likely benign. Review status: criteria provided, multiple submitters, no conflicts (2 of 4 stars). 4 submissions from 4 submitters: Likely benign (4). Last evaluated 2025-12-01.

Conditions:
Maturity-onset diabetes of the young type 8 (MODY8). Also called: DIABETES-PANCREATIC EXOCRINE DYSFUNCTION SYNDROME; DIABETES AND PANCREATIC EXOCRINE DYSFUNCTION. Identifiers: Orphanet 552, MedGen C1853297, MONDO:0012348, OMIM 609812.

Allele frequency attached by ClinVar (database versions not stated): gnomAD exomes 0.00019 and 0.00039; 1000 Genomes Project 0.00020; gnomAD 0.00077 and 0.00079; ExAC 0.00099.
gnomAD v4.1: 680 of 1,598,918 alleles (0.043%); highest among the groups gnomAD compares: Non-Finnish European, 0.042%; 3 homozygotes.

Submissions (4):

CeGaT Center for Human Genetics Tuebingen
Classification: Likely benign. Last evaluated: 2025-12-01. Review status: criteria provided, single submitter. Criteria: CeGaT Center For Human Genetics Tuebingen Variant Classification Criteria Version 2. Collection method: clinical testing. Allele origin: germline. Affected: yes. Observed: 3 variant alleles.
Comment: CEL: BP4, BP7

Blueprint Genetics
Classification: Likely benign. Last evaluated: 2024-11-18. Review status: criteria provided, single submitter. Criteria: ACMG Guidelines, 2015. Collection method: clinical testing. Allele origin: germline.

Fulgent Genetics
Classification: Likely benign for Maturity-onset diabetes of the young type 8. Last evaluated: 2021-09-22. Review status: criteria provided, single submitter. Criteria: ACMG Guidelines, 2015. Collection method: clinical testing. Allele origin: unknown.

GeneDx
Classification: Likely benign. Last evaluated: 2019-04-18. Review status: criteria provided, single submitter. Criteria: GeneDx Variant Classification Process June 2021. Collection method: clinical testing. Allele origin: germline. Affected: yes.